The following is an entry in ClinVar:

ClinVar aggregate classification (germline): Uncertain significance. Review status: criteria provided, multiple submitters, no conflicts (2 of 4 stars). 3 submissions from 3 submitters: Uncertain significance (3). Last evaluated 2025-11-09.

Conditions:
Multiple endocrine neoplasia, type 2 (MEN2). Identifiers: Orphanet 653, MedGen C4048306, MONDO:0019003. Disease mechanism: gain of function.
Hereditary cancer-predisposing syndrome. Also called: Tumor predisposition; Hereditary Cancer Syndrome; Neoplastic Syndromes, Hereditary; Hereditary neoplastic syndrome. Identifiers: Orphanet 140162, MedGen C0027672, MeSH D009386, MONDO:0015356.

Submissions (3):

Labcorp Genetics (formerly Invitae), Labcorp
Classification: Uncertain significance for Multiple endocrine neoplasia, type 2. Last evaluated: 2025-11-09. Review status: criteria provided, single submitter. Criteria: Invitae Variant Classification Sherloc (09022015). Collection method: clinical testing. Allele origin: germline.
Comment: This sequence change replaces valine, which is neutral and non-polar, with methionine, which is neutral and non-polar, at codon 282 of the RET protein (p.Val282Met). This variant is not present in population databases (gnomAD no frequency). This variant has not been reported in the literature in individuals affected with RET-related conditions. ClinVar contains an entry for this variant (Variation ID: 822449). An algorithm developed to predict the effect of missense changes on protein structure and function (PolyPhen-2) suggests that this variant is likely to be disruptive. In summary, the available evidence is currently insufficient to determine the role of this variant in disease. Therefore, it has been classified as a Variant of Uncertain Significance.

Ambry Genetics
Classification: Uncertain significance for Hereditary cancer-predisposing syndrome. Last evaluated: 2025-05-05. Review status: criteria provided, single submitter. Criteria: Ambry Variant Classification Scheme 2023. Collection method: clinical testing. Allele origin: germline.
Comment: The p.V282M variant (also known as c.844G>A), located in coding exon 4 of the RET gene, results from a G to A substitution at nucleotide position 844. The valine at codon 282 is replaced by methionine, an amino acid with highly similar properties. This amino acid position is well conserved in available vertebrate species. In addition, this alteration is predicted to be tolerated by in silico analysis. Since supporting evidence is limited at this time, the clinical significance of this alteration remains unclear.

All of Us Research Program, National Institutes of Health
Classification: Uncertain significance for Multiple endocrine neoplasia, type 2. Last evaluated: 2023-03-23. Review status: criteria provided, single submitter. Criteria: ACMG Guidelines, 2015. Collection method: clinical testing. Allele origin: germline. Inheritance: Autosomal dominant inheritance. Observed: 1 variant allele, 1 heterozygote.
Comment: This missense variant replaces valine with methionine at codon 282 of the RET protein. Computational prediction suggests that this variant may not impact protein structure and function (internally defined REVEL score threshold <= 0.5, PMID: 27666373). To our knowledge, functional studies have not been reported for this variant. This variant has not been reported in individuals affected with RET-related disorders in the literature. This variant has not been identified in the general population by the Genome Aggregation Database (gnomAD). The available evidence is insufficient to determine the role of this variant in disease conclusively. Therefore, this variant is classified as a Variant of Uncertain Significance.

This study involves interpretation of variants in research participants for the purpose of population health screening. Participant phenotype was not available at the time of variant classification. Additional details can be found in publication PMID: 35346344, PMCID: PMC8962531

NM_020975.6(RET):c.844G>A (p.Val282Met)

Gene: RET (ret proto-oncogene; plus strand). Cytogenetic location: 10q11.21.
Variant type: single nucleotide variant.
Coding change: c.844G>A on transcript NM_020975.6 (MANE Select); coding-DNA position 844, G replaced by A.
Protein change: p.Val282Met; replaces valine 282 with methionine.
Molecular consequence: missense variant.
Genome position (GRCh38, 1-based): chr10:43,105,170, G>A. VCF-style: chr10-43105170-G-A. GRCh37 (hg19) VCF-style: chr10-43600618-G-A.
Other names: c.844G>A, p.Val282Met (NM_000323.2, NM_001406743.1, NM_001406744.1 and 8 more transcripts); c.82G>A, p.Val28Met (NM_001355216.2); c.715G>A, p.Val239Met (NM_001406761.1, NM_001406762.1, NM_001406764.1 and 2 more transcripts); c.556G>A, p.Val186Met (NM_001406766.1, NM_001406767.1, NM_001406770.1); short protein forms V282M, V28M, V239M, V186M.
Identifiers: ClinVar variation 822449 (VCV000822449.11), dbSNP rs1588866293, ClinGen allele CA376545315.